The following is an entry in ClinVar:

NM_000091.5(COL4A3):c.2882-1G>A

Genes: COL4A3 (collagen type IV alpha 3 chain; plus strand), MFF-DT (MFF divergent transcript; minus strand). Cytogenetic location: 2q36.3.
Variant type: single nucleotide variant.
Coding change: c.2882-1G>A on transcript NM_000091.5 (MANE Select); the canonical splice acceptor site of the intron before coding-DNA position 2882, G replaced by A.
Molecular consequence: splice acceptor variant.
Genome position (GRCh38, 1-based): chr2:227,289,149, G>A. VCF-style: chr2-227289149-G-A. GRCh37 (hg19) VCF-style: chr2-228153865-G-A.
Identifiers: ClinVar variation 4817232 (VCV004817232.1).
Genomic context (GRCh38, chr2:227,289,149, plus strand): 5'-TACAGGCACCTGCCACCACACCTGGCTAATTTTCTTGTTAATACCTGGTTTCTAACTTCA[G>A]GATTCGCAGGAAATCCAGGTGAGAAAGGAAACAGAGGCGTTCCAGGGATGCCAGGTTTAA-3'

ClinVar aggregate classification (germline): Likely pathogenic (1 of 4 stars; one submission).

Conditions:
Alport syndrome. Also called: Hemorrhagic familial nephritis; Hemorrhagic hereditary nephritis; Congenital hereditary hematuria. Identifiers: Orphanet 63, MedGen C1567741, MONDO:0018965.

gnomAD v4.1: 1 of 1,612,264 alleles (0.000062%); highest among the groups gnomAD compares: Non-Finnish European, 0.000085%; no homozygotes.

Submission:

Natera, Inc.
Classification: Likely pathogenic for Alport syndrome. Last evaluated: 2024-11-01. Review status: criteria provided, single submitter. Criteria: Natera Variant Classification Schema (03/2026). Collection method: clinical testing. Allele origin: germline.
Comment: The c.2882-1G>A variant in COL4A3 is a canonical splice acceptor site variant predicted to affect pre-mRNA splicing, which may result in an abnormal transcript and altered protein product. This variant is expected to result in nonsense mediated decay, truncation, or a dysfunctional protein product. This variant is rare in the general population with a frequency below the threshold expected for the associated phenotype(s). Given the available evidence, this variant is classified as Likely Pathogenic.